The following is an entry in ClinVar:

ClinVar aggregate classification (germline): Uncertain significance (1 of 4 stars; one submission).

Conditions:
Cardiovascular phenotype. Identifiers: MedGen CN230736.

Submission:

Ambry Genetics
Classification: Uncertain significance for Cardiovascular phenotype. Last evaluated: 2025-11-25. Review status: criteria provided, single submitter. Criteria: Ambry Variant Classification Scheme 2023. Collection method: clinical testing. Allele origin: germline.
Comment: The c.13555delA variant, located in coding exon 29 of the APOB gene, results from a deletion of one nucleotide at nucleotide position 13555, causing a translational frameshift with a predicted alternate stop codon (p.R4519Dfs*2). This alteration occurs at the 3' terminus of the gene, is not expected to trigger nonsense-mediated mRNAdecay, and impacts the last 45 amino acids of the protein. The exact functional effect of this alteration is unknown. Based on the available evidence, the clinical significance of this variant remains unclear.

NM_000384.3(APOB):c.13555del (p.Arg4519fs)

Gene: APOB (apolipoprotein B; minus strand). Cytogenetic location: 2p24.1.
Variant type: Deletion.
Coding change: c.13555del on transcript NM_000384.3 (MANE Select); coding-DNA position 13555, one base deleted (A; older notation c.13555delA).
Protein change: p.Arg4519fs; shifts the reading frame from arginine 4519.
Molecular consequence: frameshift variant.
Genome position (GRCh38, 1-based): chr2:21,001,867, T deleted on the plus strand (A on the coding strand, the reverse complement: APOB is on the minus strand); the first of 4 consecutive T bases (chr2:21,001,867-21,001,870); deleting any one gives the same sequence. VCF-style (leftmost placement, unchanged base first): chr2-21001866-CT-C. GRCh37 (hg19) VCF-style: chr2-21224738-CT-C.
Other names: short protein forms R4519fs.
Identifiers: ClinVar variation 4613680 (VCV004613680.1).